The following is an entry in ClinVar:

ClinVar aggregate classification (germline): Uncertain significance. Review status: criteria provided, multiple submitters, no conflicts (2 of 4 stars). 2 submissions from 2 submitters: Uncertain significance (2). Last evaluated 2025-06-15.

Conditions:
Inborn genetic diseases. Identifiers: MedGen C0950123, MeSH D030342.

Allele frequency attached by ClinVar (database versions not stated): gnomAD 0.00001.

Submissions (2):

Labcorp Genetics (formerly Invitae), Labcorp
Classification: Uncertain significance. Last evaluated: 2025-06-15. Review status: criteria provided, single submitter. Criteria: Invitae Variant Classification Sherloc (09022015). Collection method: clinical testing. Allele origin: germline.
Comment: This sequence change replaces arginine, which is basic and polar, with glutamine, which is neutral and polar, at codon 193 of the MRAS protein (p.Arg193Gln). The frequency data for this variant in the population databases is considered unreliable, as metrics indicate poor data quality at this position in the gnomAD database. This variant has not been reported in the literature in individuals affected with MRAS-related conditions. ClinVar contains an entry for this variant (Variation ID: 1749649). An algorithm developed to predict the effect of missense changes on protein structure and function (PolyPhen-2) suggests that this variant is likely to be tolerated. In summary, the available evidence is currently insufficient to determine the role of this variant in disease. Therefore, it has been classified as a Variant of Uncertain Significance.

Ambry Genetics
Classification: Uncertain significance for Inborn genetic diseases. Last evaluated: 2021-09-21. Review status: criteria provided, single submitter. Criteria: Ambry Variant Classification Scheme 2023. Collection method: clinical testing. Allele origin: germline.
Comment: The p.R193Q variant (also known as c.578G>A), located in coding exon 5 of the MRAS gene, results from a G to A substitution at nucleotide position 578. The arginine at codon 193 is replaced by glutamine, an amino acid with highly similar properties. This amino acid position is conserved. In addition, this alteration is predicted to be tolerated by in silico analysis. Since supporting evidence is limited at this time, the clinical significance of this alteration remains unclear.

NM_001085049.3(MRAS):c.578G>A (p.Arg193Gln)

Gene: MRAS (muscle RAS oncogene homolog; plus strand). Cytogenetic location: 3q22.3.
Variant type: single nucleotide variant.
Coding change: c.578G>A on transcript NM_001085049.3 (MANE Select); coding-DNA position 578, G replaced by A.
Protein change: p.Arg193Gln; replaces arginine 193 with glutamine.
Molecular consequence: missense variant.
Genome position (GRCh38, 1-based): chr3:138,402,220, G>A. VCF-style: chr3-138402220-G-A. GRCh37 (hg19) VCF-style: chr3-138121062-G-A.
Other names: c.578G>A, p.Arg193Gln (NM_001252090.2, NM_012219.4); c.350G>A, p.Arg117Gln (NM_001252091.1, NM_001252092.2, NM_001252093.2); short protein forms R117Q, R193Q.
Identifiers: ClinVar variation 1749649 (VCV001749649.5), dbSNP rs1374534666, ClinGen allele CA354677948.